The following is an entry in ClinVar:

NM_021930.6(RINT1):c.1978C>T (p.Leu660Phe)

Genes: EFCAB10 (EF-hand calcium binding domain 10; minus strand), RINT1 (RAD50 interactor 1; plus strand). Cytogenetic location: 7q22.3.
Variant type: single nucleotide variant.
Coding change: c.1978C>T on transcript NM_021930.6 (MANE Select); coding-DNA position 1978, C replaced by T.
Protein change: p.Leu660Phe; replaces leucine 660 with phenylalanine.
Molecular consequence: missense variant. On other transcripts: 3 prime UTR variant (3), non-coding transcript variant (1).
Genome position (GRCh38, 1-based): chr7:105,565,368, C>T. VCF-style: chr7-105565368-C-T. GRCh37 (hg19) VCF-style: chr7-105205815-C-T.
Other names: c.*79G>A (NM_001355526.2); c.*181G>A (NM_001355530.2); c.*34G>A (NM_001355531.2); c.1744C>T, p.Leu582Phe (NM_001346599.2); c.955C>T, p.Leu319Phe (NM_001346600.2, NM_001346603.2); c.1054C>T, p.Leu352Phe (NM_001346601.2); short protein forms L582F, L319F, L660F, L352F.
Identifiers: ClinVar variation 836753 (VCV000836753.12), dbSNP rs35531972, ClinGen allele CA368814816.
Genomic context (GRCh38, chr7:105,565,368, plus strand): 5'-GCAGTGATGTCCCTGTCCAGTTCGGCTTGCCCGTTGCTGCTGACGTTACGAGACCATTTA[C>T]TTCAGTTGGAGCAGCAGCTTTGTTTCTCCTTATTTAAAATTTTCTGGCAAATGCTTGTAG-3'
Protein context (NP_068749.3, residues 650-670): PLLLTLRDHL[Leu660Phe]QLEQQLCFSL

ClinVar aggregate classification (germline): Uncertain significance. Review status: criteria provided, multiple submitters, no conflicts (2 of 4 stars). 2 submissions from 2 submitters: Uncertain significance (2). Last evaluated 2025-04-29.

gnomAD v4.1: 7 of 1,614,050 alleles (0.00043%); highest among the groups gnomAD compares: Non-Finnish European, 0.00059%; no homozygotes.

Submissions (2):

Labcorp Genetics (formerly Invitae), Labcorp
Classification: Uncertain significance. Last evaluated: 2025-04-29. Review status: criteria provided, single submitter. Criteria: Invitae Variant Classification Sherloc (09022015). Collection method: clinical testing. Allele origin: germline.
Comment: This sequence change replaces leucine, which is neutral and non-polar, with phenylalanine, which is neutral and non-polar, at codon 660 of the RINT1 protein (p.Leu660Phe). This variant is present in population databases (no rsID available, gnomAD 0.0009%). This variant has not been reported in the literature in individuals affected with RINT1-related conditions. ClinVar contains an entry for this variant (Variation ID: 836753). An algorithm developed to predict the effect of missense changes on protein structure and function (PolyPhen-2) suggests that this variant is likely to be disruptive. In summary, the available evidence is currently insufficient to determine the role of this variant in disease. Therefore, it has been classified as a Variant of Uncertain Significance.

Ambry Genetics
Classification: Uncertain significance. Last evaluated: 2024-02-06. Review status: criteria provided, single submitter. Criteria: Ambry Variant Classification Scheme 2023. Collection method: clinical testing. Allele origin: germline.
Comment: The p.L660F variant (also known as c.1978C>T), located in coding exon 13 of the RINT1 gene, results from a C to T substitution at nucleotide position 1978. The leucine at codon 660 is replaced by phenylalanine, an amino acid with highly similar properties. This amino acid position is highly conserved in available vertebrate species. In addition, this alteration is predicted to be tolerated by in silico analysis. The evidence for this gene-disease relationship is limited; therefore, the clinical significance of this alteration is unclear.